The following is an entry in ClinVar:

NM_020800.3(IFT80):c.1121G>A (p.Gly374Glu)

Genes: IFT80 (intraflagellar transport 80; minus strand), TRIM59-IFT80 (TRIM59-IFT80 readthrough (NMD candidate); minus strand). Cytogenetic location: 3q25.33.
Variant type: single nucleotide variant.
Coding change: c.1121G>A on transcript NM_020800.3 (MANE Select); coding-DNA position 1121, G replaced by A.
Protein change: p.Gly374Glu; replaces glycine 374 with glutamic acid.
Molecular consequence: missense variant. On other transcripts: non-coding transcript variant (3).
Genome position (GRCh38, 1-based): chr3:160,303,945, C>T on the plus strand (G>A on the coding strand, the complement: IFT80 is on the minus strand). VCF-style: chr3-160303945-C-T. GRCh37 (hg19) VCF-style: chr3-160021733-C-T.
Other names: c.710G>A, p.Gly237Glu (NM_001190241.2, NM_001190242.2); short protein forms G374E, G237E.
Identifiers: ClinVar variation 1503218 (VCV001503218.8), dbSNP rs1448235153, ClinGen allele CA355193912.
Genomic context (GRCh38, chr3:160,303,945, plus strand): 5'-CAGATCCAGTAGTTAAACATAATAAATTACCTTTCTGCCTGCAGAATCAAACTAACAGTT[C>T]CTTCTTTGAGATCAAATATAATTGGTGTGTTCCAGTTCTTCGTGCTAAAAGACAAGTAAA-3'
Protein context (NP_065851.1, residues 364-384): NTPIIFDLKE[Gly374Glu]TVSLILQAER

ClinVar aggregate classification (germline): Uncertain significance (1 of 4 stars; one submission).

Conditions:
Jeune thoracic dystrophy. Also called: Infantile thoracic dystrophy; Thoracic pelvic phalangeal dystrophy; Jeune's syndrome; Chondroectodermal dysplasia-like syndrome; Jeune syndrome; Short-rib thoracic dysplasia. Identifiers: Orphanet 474, MedGen C0265275, MONDO:0018770.

Allele frequency attached by ClinVar (database versions not stated): gnomAD exomes below 0.00001 and 0.00001; gnomAD 0.00001; TOPMed 0.00001.

Submission:

Labcorp Genetics (formerly Invitae), Labcorp
Classification: Uncertain significance for Jeune thoracic dystrophy. Last evaluated: 2023-10-03. Review status: criteria provided, single submitter. Criteria: Invitae Variant Classification Sherloc (09022015). Collection method: clinical testing. Allele origin: germline.
Comment: This sequence change replaces glycine, which is neutral and non-polar, with glutamic acid, which is acidic and polar, at codon 374 of the IFT80 protein (p.Gly374Glu). This variant is present in population databases (no rsID available, gnomAD 0.007%). This variant has not been reported in the literature in individuals affected with IFT80-related conditions. ClinVar contains an entry for this variant (Variation ID: 1503218). Advanced modeling of protein sequence and biophysical properties (such as structural, functional, and spatial information, amino acid conservation, physicochemical variation, residue mobility, and thermodynamic stability) performed at Invitae indicates that this missense variant is not expected to disrupt IFT80 protein function. In summary, the available evidence is currently insufficient to determine the role of this variant in disease. Therefore, it has been classified as a Variant of Uncertain Significance.